The following is an entry in ClinVar:

ClinVar aggregate classification (germline): Uncertain significance (1 of 4 stars; one submission).

Conditions:
Episodic ataxia type 2 (EA2). Also called: ACETAZOLAMIDE-RESPONSIVE HEREDITARY PAROXYSMAL CEREBELLAR ATAXIA; ATAXIA, EPISODIC, WITH NYSTAGMUS; ATAXIA, FAMILIAL PAROXYSMAL; CEREBELLAR ATAXIA, PAROXYSMAL, ACETAZOLAMIDE-RESPONSIVE; CEREBELLOPATHY, HEREDITARY PAROXYSMAL; EPISODIC ATAXIA, NYSTAGMUS-ASSOCIATED. Identifiers: Orphanet 97, MedGen C1720416, MONDO:0007163, OMIM 108500.
Developmental and epileptic encephalopathy, 42 (DEE42A). Also called: Epileptic encephalopathy, early infantile, 42; DEVELOPMENTAL AND EPILEPTIC ENCEPHALOPATHY 42A; EPILEPTIC ENCEPHALOPATHY, EARLY INFANTILE, 42A. Identifiers: MedGen C4310716, MONDO:0014917, OMIM 617106.

Submission:

Labcorp Genetics (formerly Invitae), Labcorp
Classification: Uncertain significance for Developmental and epileptic encephalopathy, 42; Episodic ataxia type 2. Last evaluated: 2025-09-14. Review status: criteria provided, single submitter. Criteria: Invitae Variant Classification Sherloc (09022015). Collection method: clinical testing. Allele origin: germline.
Comment: This sequence change replaces valine, which is neutral and non-polar, with alanine, which is neutral and non-polar, at codon 1721 of the CACNA1A protein (p.Val1721Ala). This variant is not present in population databases (gnomAD no frequency). This missense change has been observed in individual(s) with clinical features of CACNA1A-related conditions (internal data). Invitae Evidence Modeling of protein sequence and biophysical properties (such as structural, functional, and spatial information, amino acid conservation, physicochemical variation, residue mobility, and thermodynamic stability) indicates that this missense variant is not expected to disrupt CACNA1A protein function with a negative predictive value of 95%. In summary, the available evidence is currently insufficient to determine the role of this variant in disease. Therefore, it has been classified as a Variant of Uncertain Significance.

NM_001127222.2(CACNA1A):c.5159T>C (p.Val1720Ala)

Gene: CACNA1A (calcium voltage-gated channel subunit alpha1 A; minus strand). Cytogenetic location: 19p13.13.
Variant type: single nucleotide variant.
Coding change: c.5159T>C on transcript NM_001127222.2 (MANE Select); coding-DNA position 5159, T replaced by C.
Protein change: p.Val1720Ala; replaces valine 1720 with alanine.
Molecular consequence: missense variant.
Genome position (GRCh38, 1-based): chr19:13,235,011, A>G on the plus strand (T>C on the coding strand, the complement: CACNA1A is on the minus strand). VCF-style: chr19-13235011-A-G. GRCh37 (hg19) VCF-style: chr19-13345825-A-G.
Other names: c.5168T>C, p.Val1723Ala (NM_001174080.2); c.5177T>C, p.Val1726Ala (NM_023035.3, NM_000068.4); c.5162T>C, p.Val1721Ala (NM_001127221.2); short protein forms V1721A, V1720A, V1723A, V1726A.
Identifiers: ClinVar variation 4790734 (VCV004790734.1).